The following is an entry in ClinVar:

ClinVar aggregate classification (germline): Uncertain significance (1 of 4 stars; one submission).

Submission:

Labcorp Genetics (formerly Invitae), Labcorp
Classification: Uncertain significance. Last evaluated: 2022-04-08. Review status: criteria provided, single submitter. Criteria: Invitae Variant Classification Sherloc (09022015). Collection method: clinical testing. Allele origin: germline.
Comment: In summary, the available evidence is currently insufficient to determine the role of this variant in disease. Therefore, it has been classified as a Variant of Uncertain Significance. Advanced modeling of protein sequence and biophysical properties (such as structural, functional, and spatial information, amino acid conservation, physicochemical variation, residue mobility, and thermodynamic stability) performed at Invitae indicates that this missense variant is expected to disrupt SERPING1 protein function. This variant has not been reported in the literature in individuals affected with SERPING1-related conditions. This variant is not present in population databases (gnomAD no frequency). This sequence change replaces lysine, which is basic and polar, with asparagine, which is neutral and polar, at codon 329 of the SERPING1 protein (p.Lys329Asn).

NM_000062.3(SERPING1):c.987G>C (p.Lys329Asn)

Gene: SERPING1 (serpin family G member 1; plus strand). Cytogenetic location: 11q12.1.
Variant type: single nucleotide variant.
Coding change: c.987G>C on transcript NM_000062.3 (MANE Select); coding-DNA position 987, G replaced by C.
Protein change: p.Lys329Asn; replaces lysine 329 with asparagine.
Molecular consequence: missense variant.
Genome position (GRCh38, 1-based): chr11:57,606,505, G>C. VCF-style: chr11-57606505-G-C. GRCh37 (hg19) VCF-style: chr11-57373978-G-C.
Other names: c.987G>C, p.Lys329Asn (NM_001032295.2); short protein forms K329N.
Identifiers: ClinVar variation 2122862 (VCV002122862.4), dbSNP rs2495442511, ClinGen allele CA380700791.